The following is an entry in ClinVar:

NM_005045.4(RELN):c.4934T>C (p.Ile1645Thr)

Gene: RELN (reelin; minus strand). Cytogenetic location: 7q22.1.
Variant type: single nucleotide variant.
Coding change: c.4934T>C on transcript NM_005045.4 (MANE Select); coding-DNA position 4934, T replaced by C.
Protein change: p.Ile1645Thr; replaces isoleucine 1645 with threonine.
Molecular consequence: missense variant.
Genome position (GRCh38, 1-based): chr7:103,566,226, A>G on the plus strand (T>C on the coding strand, the complement: RELN is on the minus strand). VCF-style: chr7-103566226-A-G. GRCh37 (hg19) VCF-style: chr7-103206673-A-G.
Other names: c.4934T>C, p.Ile1645Thr (NM_173054.3); short protein forms I1645T.
Identifiers: ClinVar variation 594896 (VCV000594896.17), dbSNP rs537366000, ClinGen allele CA4421377.

ClinVar aggregate classification (germline): Benign/Likely benign. Review status: criteria provided, multiple submitters, no conflicts (2 of 4 stars). 3 submissions from 3 submitters: Benign (1); Likely benign (1). 1 of the submissions does not count toward it. Last evaluated 2025-12-01.

Conditions:
Familial temporal lobe epilepsy 7. Identifiers: Orphanet 101046, MedGen C4225327, MONDO:0014639, OMIM 616436.
Norman-Roberts syndrome (LIS2). Also called: Lissencephaly 2 (Norman-Roberts type). Identifiers: Orphanet 89844, MedGen C0796089, MONDO:0009760, OMIM 257320.
RELN-related disorder. Also called: RELN-related condition.

Allele frequency attached by ClinVar (database versions not stated): gnomAD 0.00001 and 0.00028; TOPMed 0.00005; gnomAD exomes 0.00035 and 0.00073; ExAC 0.00088; 1000 Genomes Project 30x 0.00156; 1000 Genomes Project 0.00200.
gnomAD v4.1: 564 of 1,610,570 alleles (0.035%); highest among the groups gnomAD compares: South Asian, 0.58%; 10 homozygotes.

Submissions (3):

Labcorp Genetics (formerly Invitae), Labcorp
Classification: Benign for Familial temporal lobe epilepsy 7; Norman-Roberts syndrome. Last evaluated: 2025-12-01. Review status: criteria provided, single submitter. Criteria: Invitae Variant Classification Sherloc (09022015). Collection method: clinical testing. Allele origin: germline.

Eurofins Ntd Llc (ga)
Classification: Likely benign. Last evaluated: 2017-11-17. Review status: criteria provided, single submitter. Criteria: EGL Classification Definitions 2015. Collection method: clinical testing. Allele origin: germline. Observed: 1 variant allele, 1 heterozygote.

PreventionGenetics, part of Exact Sciences
Classification: Likely benign for RELN-related condition. Last evaluated: 2023-01-05. Review status: no assertion criteria provided. Collection method: clinical testing. Allele origin: germline. Not counted in ClinVar's aggregate classification.
Comment: This variant is classified as likely benign based on ACMG/AMP sequence variant interpretation guidelines (Richards et al. 2015 PMID: 25741868, with internal and published modifications).